The following is an entry in ClinVar:

NM_002693.3(POLG):c.2157G>A (p.Leu719=)

Gene: POLG (DNA polymerase gamma, catalytic subunit; minus strand). Cytogenetic location: 15q26.1.
Variant type: single nucleotide variant.
Coding change: c.2157G>A on transcript NM_002693.3 (MANE Select); coding-DNA position 2157, G replaced by A.
Protein change: p.Leu719=; no amino-acid change (leucine 719 retained).
Molecular consequence: synonymous variant.
Genome position (GRCh38, 1-based): chr15:89,323,815, C>T on the plus strand (G>A on the coding strand, the complement: POLG is on the minus strand). VCF-style: chr15-89323815-C-T. GRCh37 (hg19) VCF-style: chr15-89867046-C-T.
Other names: c.2157G>A, p.Leu719= (NM_001126131.2).
Identifiers: ClinVar variation 847692 (VCV000847692.11), dbSNP rs2055432894, ClinGen allele CA492289306.
Genomic context (GRCh38, chr15:89,323,815, plus strand): 5'-AAGAGGAAGCCCTTTCCACCCAGCACCCACCTAGAGAACCCAAGCCGGCGCACTGCTCAC[C>T]AGAGCTAGGGGTTGACCTGGCACTGCAGCTCGCAAGTTCTCCATCTTGGCCTCAGCCTCC-3'
Protein context (NP_002684.1, residues 709-729): RAAVPGQPLA[Leu719=]TARGGPKDTQ

ClinVar aggregate classification (germline): Uncertain significance (1 of 4 stars; one submission).

Conditions:
Progressive sclerosing poliodystrophy (MTDPS4A). Also called: NEURONAL DEGENERATION OF CHILDHOOD WITH LIVER DISEASE, PROGRESSIVE; Alpers Syndrome; Alpers-Huttenlocher Syndrome (AHS); ALPERS PROGRESSIVE INFANTILE POLIODYSTROPHY; Mitochondrial DNA Depletion Syndrome 4A; ALPERS DIFFUSE DEGENERATION OF CEREBRAL GRAY MATTER WITH HEPATIC CIRRHOSIS. Identifiers: Orphanet 726, MedGen C0205710, MONDO:0008758, OMIM 203700.

Allele frequency attached by ClinVar (database versions not stated): gnomAD exomes below 0.00001.
gnomAD v4.1: 2 of 1,613,188 alleles (0.00012%); highest among the groups gnomAD compares: Non-Finnish European, 0.00017%; no homozygotes.

Submission:

Labcorp Genetics (formerly Invitae), Labcorp
Classification: Uncertain significance for Progressive sclerosing poliodystrophy. Last evaluated: 2022-09-23. Review status: criteria provided, single submitter. Criteria: Invitae Variant Classification Sherloc (09022015). Collection method: clinical testing. Allele origin: germline.
Comment: This sequence change affects codon 719 of the POLG mRNA. It is a 'silent' change, meaning that it does not change the encoded amino acid sequence of the POLG protein. This variant also falls at the last nucleotide of exon 12, which is part of the consensus splice site for this exon. This variant is not present in population databases (gnomAD no frequency). This variant has not been reported in the literature in individuals affected with POLG-related conditions. ClinVar contains an entry for this variant (Variation ID: 847692). Variants that disrupt the consensus splice site are a relatively common cause of aberrant splicing (PMID: 17576681, 9536098). Algorithms developed to predict the effect of sequence changes on RNA splicing suggest that this variant may disrupt the consensus splice site. In summary, the available evidence is currently insufficient to determine the role of this variant in disease. Therefore, it has been classified as a Variant of Uncertain Significance.

Literature cited by the submitters: PubMed 17576681; PubMed 9536098.